The following is an entry in ClinVar:

NM_199420.4(POLQ):c.944C>T (p.Pro315Leu)

Gene: POLQ (DNA polymerase theta; minus strand). Cytogenetic location: 3q13.33.
Variant type: single nucleotide variant.
Coding change: c.944C>T on transcript NM_199420.4 (MANE Select); coding-DNA position 944, C replaced by T.
Protein change: p.Pro315Leu; replaces proline 315 with leucine.
Molecular consequence: missense variant.
Genome position (GRCh38, 1-based): chr3:121,533,006, G>A on the plus strand (C>T on the coding strand, the complement: POLQ is on the minus strand). VCF-style: chr3-121533006-G-A. GRCh37 (hg19) VCF-style: chr3-121251853-G-A.
Other names: short protein forms P315L.
Identifiers: ClinVar variation 1766988 (VCV001766988.2), dbSNP rs771519315, ClinGen allele CA2563689.

ClinVar aggregate classification (germline): Uncertain significance (1 of 4 stars; one submission).

Allele frequency attached by ClinVar (database versions not stated): gnomAD exomes below 0.00001; ExAC 0.00001.
gnomAD v4.1: 3 of 1,606,364 alleles (0.00019%); highest among the groups gnomAD compares: South Asian, 0.0033%; no homozygotes.

Submission:

Ambry Genetics
Classification: Uncertain significance. Last evaluated: 2021-11-02. Review status: criteria provided, single submitter. Criteria: Ambry Variant Classification Scheme 2023. Collection method: clinical testing. Allele origin: germline.
Comment: The p.P315L variant (also known as c.944C>T), located in coding exon 6 of the POLQ gene, results from a C to T substitution at nucleotide position 944. The proline at codon 315 is replaced by leucine, an amino acid with similar properties. This amino acid position is conserved. In addition, the in silico prediction for this alteration is inconclusive. Since supporting evidence is limited at this time, the clinical significance of this alteration remains unclear.